The following is an entry in ClinVar:

ClinVar aggregate classification (germline): Conflicting classifications of pathogenicity. Review status: criteria provided, conflicting classifications (1 of 4 stars). 9 submissions from 9 submitters: Uncertain significance (2); Likely benign (5). 2 of the submissions do not count toward it. Last evaluated 2026-01-28.

Conditions:
Donnai-Barrow syndrome. Also called: DBS/FOAR SYNDROME; FACIOOCULOACOUSTICORENAL SYNDROME. Identifiers: Orphanet 2143, MedGen C1857277, MONDO:0009104, OMIM 222448.
LRP2-related disorder. Also called: LRP2-related condition.
Inborn genetic diseases. Identifiers: MedGen C0950123, MeSH D030342.

Allele frequency attached by ClinVar (database versions not stated): gnomAD exomes 0.00012 and 0.00029; ExAC 0.00040; 1000 Genomes Project 0.00100; TOPMed 0.00107; gnomAD 0.00111 and 0.00123; ESP Exome Variant Server 0.00123; 1000 Genomes Project 30x 0.00125.
gnomAD v4.1: 347 of 1,614,152 alleles (0.021%); highest among the groups gnomAD compares: African/African-American, 0.42%; no homozygotes.

Submissions (9):

Labcorp Genetics (formerly Invitae), Labcorp
Classification: Likely benign. Last evaluated: 2026-01-28. Review status: criteria provided, single submitter. Criteria: Invitae Variant Classification Sherloc (09022015). Collection method: clinical testing. Allele origin: germline.

Blueprint Genetics
Classification: Likely benign. Last evaluated: 2024-08-06. Review status: criteria provided, single submitter. Criteria: ACMG Guidelines, 2015. Collection method: clinical testing. Allele origin: germline.

Ambry Genetics
Classification: Likely benign for Inborn genetic diseases. Last evaluated: 2023-01-10. Review status: criteria provided, single submitter. Criteria: Ambry Variant Classification Scheme 2023. Collection method: clinical testing. Allele origin: germline.

GeneDx
Classification: Uncertain significance. Last evaluated: 2022-05-23. Review status: criteria provided, single submitter. Criteria: GeneDx Variant Classification Process June 2021. Collection method: clinical testing. Allele origin: germline. Affected: yes.
Comment: In silico analysis supports that this missense variant does not alter protein structure/function; Has not been previously published as pathogenic or benign to our knowledge

New York Genome Center
Classification: Uncertain significance for Donnai-Barrow syndrome. Last evaluated: 2021-12-22. Review status: criteria provided, single submitter. Criteria: NYGC Assertion Criteria 2020. Collection method: clinical testing. Allele origin: inherited. Observed: 1 compound heterozygote. Study: CSER-NYCKidSeq.

Genome-Nilou Lab
Classification: Likely benign for Donnai-Barrow syndrome. Last evaluated: 2021-07-15. Review status: criteria provided, single submitter. Criteria: ACMG Guidelines, 2015. Collection method: clinical testing. Allele origin: germline. Affected: no.

Illumina Laboratory Services, Illumina
Classification: Likely benign for Donnai-Barrow syndrome. Last evaluated: 2018-01-13. Review status: criteria provided, single submitter. Criteria: ICSL Variant Classification Criteria 13 December 2019. Collection method: clinical testing. Allele origin: germline.
Comment: This variant was observed in the ICSL laboratory as part of a predisposition screen in an ostensibly healthy population. It had not been previously curated by ICSL or reported in the Human Gene Mutation Database (HGMD: prior to June 1st, 2018), and was therefore a candidate for classification through an automated scoring system. Utilizing variant allele frequency, disease prevalence and penetrance estimates, and inheritance mode, an automated score was calculated to assess if this variant is too frequent to cause the disease. Based on the score and internal cut-off values, a variant classified as likely benign is not then subjected to further curation. The score for this variant resulted in a classification of likely benign for this disease.

PreventionGenetics, part of Exact Sciences
Classification: Likely benign for LRP2-related condition. Last evaluated: 2022-04-07. Review status: no assertion criteria provided. Collection method: clinical testing. Allele origin: germline. Not counted in ClinVar's aggregate classification.
Comment: This variant is classified as likely benign based on ACMG/AMP sequence variant interpretation guidelines (Richards et al. 2015 PMID: 25741868, with internal and published modifications).

Department of Pathology and Laboratory Medicine, Sinai Health System
Classification: Uncertain significance. Review status: no assertion criteria provided. Collection method: clinical testing. Allele origin: unknown. Affected: yes. Study: The Canadian Open Genetics Repository (COGR). Not counted in ClinVar's aggregate classification.
Comment: The LRP2 p.T4641S variant was not identified in the literature but was identified in dbSNP (ID: rs79179577) and ClinVar (classified as likely benign by Invitae and Illumina; and as uncertain significance by New York Genome Center). The variant was identified in control databases in 103 of 282640 chromosomes at a frequency of 0.0003644, and was observed at the highest frequency in the African population in 97 of 24968 chromosomes (freq: 0.003885) (Genome Aggregation Database March 6, 2019, v2.1.1). The p.T4641 residue is conserved in mammals and computational analyses (MUT Assesor, PolyPhen-2, SIFT, MutationTaster, Revel, FATHMM, MetaLR, DANN) provide inconsistent predictions regarding the impact to the protein; this information is not very predictive of pathogenicity. The variant occurs outside of the splicing consensus sequence and in silico or computational prediction software programs (Splice AI exome) do not predict a difference in splicing. In summary, based on the above information the clinical significance of this variant cannot be determined with certainty at this time. This variant is classified as a variant of uncertain significance.

NM_004525.3(LRP2):c.13921A>T (p.Thr4641Ser)

Gene: LRP2 (LDL receptor related protein 2; minus strand). Cytogenetic location: 2q31.1.
Variant type: single nucleotide variant.
Coding change: c.13921A>T on transcript NM_004525.3 (MANE Select); coding-DNA position 13921, A replaced by T.
Protein change: p.Thr4641Ser; replaces threonine 4641 with serine.
Molecular consequence: missense variant.
Genome position (GRCh38, 1-based): chr2:169,128,710, T>A on the plus strand (A>T on the coding strand, the complement: LRP2 is on the minus strand). VCF-style: chr2-169128710-T-A. GRCh37 (hg19) VCF-style: chr2-169985220-T-A.
Other names: short protein forms T4641S.
Identifiers: ClinVar variation 332067 (VCV000332067.28), dbSNP rs79179577, ClinGen allele CA1952383.